The following is an entry in ClinVar:

ClinVar aggregate classification (germline): Likely benign. Review status: criteria provided, multiple submitters, no conflicts (2 of 4 stars). 4 submissions from 4 submitters: Likely benign (4). Last evaluated 2026-03-07.

Conditions:
Hypertrophic cardiomyopathy 10. Also called: MYL2-Related Familial Hypertrophic Cardiomyopathy; CARDIOMYOPATHY, HYPERTROPHIC, MID-LEFT VENTRICULAR CHAMBER TYPE, 2. Identifiers: MedGen C1834460, MONDO:0012112, OMIM 608758.
Hypertrophic cardiomyopathy. Also called: HYPERTROPHIC MYOCARDIOPATHY. Identifiers: Orphanet 217569, MedGen C0007194, MeSH D002312, MONDO:0005045, HP:0001639.
Cardiomyopathy (CMYO). Also called: Cardiomyopathies. Identifiers: Orphanet 167848, MedGen C0878544, MONDO:0004994, HP:0001638. Inheritance: Various modes of inheritance.
Cardiovascular phenotype. Identifiers: MedGen CN230736.

Allele frequency attached by ClinVar (database versions not stated): ExAC 0.00001; TOPMed 0.00001.

Submissions (4):

Ambry Genetics
Classification: Likely benign for Cardiovascular phenotype. Last evaluated: 2026-03-07. Review status: criteria provided, single submitter. Criteria: Ambry Variant Classification Scheme 2023. Collection method: clinical testing. Allele origin: germline.

All of Us Research Program, National Institutes of Health
Classification: Likely benign for Hypertrophic cardiomyopathy. Last evaluated: 2024-08-13. Review status: criteria provided, single submitter. Criteria: ACMG Guidelines, 2015. Collection method: clinical testing. Allele origin: germline. Inheritance: Autosomal dominant inheritance. Observed: 2 variant alleles, 2 heterozygotes.
Comment: This study involves interpretation of variants in research participants for the purpose of population health screening. Participant phenotype was not available at the time of variant classification. Additional details can be found in publication PMID: 35346344, PMCID: PMC8962531

Labcorp Genetics (formerly Invitae), Labcorp
Classification: Likely benign for Hypertrophic cardiomyopathy 10. Last evaluated: 2022-11-24. Review status: criteria provided, single submitter. Criteria: Invitae Variant Classification Sherloc (09022015). Collection method: clinical testing. Allele origin: germline.

Color Diagnostics, LLC DBA Color Health
Classification: Likely benign for Cardiomyopathy. Last evaluated: 2018-11-30. Review status: criteria provided, single submitter. Criteria: ACMG Guidelines, 2015. Collection method: clinical testing. Allele origin: germline.

NM_000432.4(MYL2):c.417C>T (p.Phe139=)

Gene: MYL2 (myosin light chain 2; minus strand). Cytogenetic location: 12q24.11.
Variant type: single nucleotide variant.
Coding change: c.417C>T on transcript NM_000432.4 (MANE Select); coding-DNA position 417, C replaced by T.
Protein change: p.Phe139=; no amino-acid change (phenylalanine 139 retained).
Molecular consequence: synonymous variant.
Genome position (GRCh38, 1-based): chr12:110,911,161, G>A on the plus strand (C>T on the coding strand, the complement: MYL2 is on the minus strand). VCF-style: chr12-110911161-G-A. GRCh37 (hg19) VCF-style: chr12-111348965-G-A.
Identifiers: ClinVar variation 704190 (VCV000704190.14), dbSNP rs781107246, ClinGen allele CA042852.